The following is an entry in ClinVar:

ClinVar aggregate classification (germline): Likely benign. Review status: criteria provided, multiple submitters, no conflicts (2 of 4 stars). 2 submissions from 2 submitters: Likely benign (2). Last evaluated 2025-03-17.

Conditions:
Pheochromocytoma. Also called: MAX-Related Hereditary Paraganglioma-Pheochromocytoma Syndrome. Identifiers: Orphanet 29072, MedGen C0031511, MONDO:0008233, OMIM 171300, HP:0002666.
Carney-Stratakis syndrome. Also called: PARAGANGLIOMA AND GASTROINTESTINAL STROMAL TUMOR. Identifiers: Orphanet 97286, MedGen C1847319, MONDO:0011740, OMIM 606864.
Cowden syndrome 3 (CWS3). Identifiers: Orphanet 201, MedGen CN166604, MONDO:0014045.
Paragangliomas with sensorineural hearing loss. Identifiers: MedGen C1868633.
Pheochromocytoma/paraganglioma syndrome 1. Also called: PARAGANGLIOMATA; Paragangliomas 1; Glomus tumors familial 1; Paraganglioma - glomus jugulare; SDHD-Related Hereditary Paraganglioma-Pheochromocytoma Syndrome; PARAGANGLIOMAS, FAMILIAL NONCHROMAFFIN, 1. Identifiers: Orphanet 29072, MedGen C3494181, MONDO:0008192, OMIM 168000.

Submissions (2):

Myriad Genetics, Inc.
Classification: Likely benign for Pheochromocytoma/paraganglioma syndrome 1. Last evaluated: 2025-03-17. Review status: criteria provided, single submitter. Criteria: Myriad Autosomal Dominant, Autosomal Recessive and X-Linked Classification Criteria (2023). Collection method: clinical testing. Allele origin: unknown.
Comment: This variant is considered likely benign. This variant is intronic and is not expected to impact mRNA splicing.

Labcorp Genetics (formerly Invitae), Labcorp
Classification: Likely benign for Carney-Stratakis syndrome; Paragangliomas with sensorineural hearing loss; Pheochromocytoma; Cowden syndrome 3. Last evaluated: 2024-01-07. Review status: criteria provided, single submitter. Criteria: Invitae Variant Classification Sherloc (09022015). Collection method: clinical testing. Allele origin: germline.

NM_003002.4(SDHD):c.53-20C>T

Gene: SDHD (succinate dehydrogenase complex subunit D; plus strand). Cytogenetic location: 11q23.1.
Variant type: single nucleotide variant.
Coding change: c.53-20C>T on transcript NM_003002.4 (MANE Select); 20 bases into the intron before coding-DNA position 53, C replaced by T.
Molecular consequence: intron variant.
Genome position (GRCh38, 1-based): chr11:112,087,837, C>T. VCF-style: chr11-112087837-C-T. GRCh37 (hg19) VCF-style: chr11-111958561-C-T.
Other names: c.53-20C>T (NM_001276506.2, NM_001276503.2); c.52+878C>T (NM_001276504.2).
Identifiers: ClinVar variation 2943621 (VCV002943621.4), dbSNP rs1865649498, ClinGen allele CA2000560684.
Genomic context (GRCh38, chr11:112,087,837, plus strand): 5'-TTACCTATGGTCATTTAGAAAGTTTGTCAGTCCTGTTAAAGGAGAGGTTCTTATGATCAT[C>T]CTAATGACTCTTTCCTCAGCTCTGTTGCTTCGAACTCCAGTGGTCAGACCTGCTCATATC-3'